The following is an entry in ClinVar:

ClinVar aggregate classification (germline): Likely benign (1 of 4 stars; one submission).

gnomAD v4.1: 26 of 1,614,168 alleles (0.0016%); highest among the groups gnomAD compares: Admixed American, 0.005%; no homozygotes.

Submission:

CeGaT Center for Human Genetics Tuebingen
Classification: Likely benign. Last evaluated: 2026-04-01. Review status: criteria provided, single submitter. Criteria: CeGaT Center For Human Genetics Tuebingen Variant Classification Criteria Version 2. Collection method: clinical testing. Allele origin: germline. Affected: yes. Observed: 1 variant allele.
Comment: CHRNB4: BP4, BP7

NM_000750.5(CHRNB4):c.852C>T (p.Ile284=)

Gene: CHRNB4 (cholinergic receptor nicotinic beta 4 subunit; minus strand). Cytogenetic location: 15q25.1.
Variant type: single nucleotide variant.
Coding change: c.852C>T on transcript NM_000750.5 (MANE Select); coding-DNA position 852, C replaced by T.
Protein change: p.Ile284=; no amino-acid change (isoleucine 284 retained).
Molecular consequence: synonymous variant. On other transcripts: intron variant (1).
Genome position (GRCh38, 1-based): chr15:78,629,453, G>A on the plus strand (C>T on the coding strand, the complement: CHRNB4 is on the minus strand). VCF-style: chr15-78629453-G-A. GRCh37 (hg19) VCF-style: chr15-78921795-G-A.
Other names: c.359+1623C>T (NM_001256567.3).
Identifiers: ClinVar variation 4872709 (VCV004872709.2).